The following is an entry in ClinVar:

ClinVar aggregate classification (germline): Uncertain significance (1 of 4 stars; one submission).

Submission:

GeneDx
Classification: Uncertain significance. Last evaluated: 2022-12-02. Review status: criteria provided, single submitter. Criteria: GeneDx Variant Classification Process June 2021. Collection method: clinical testing. Allele origin: germline. Affected: yes.
Comment: Not observed at significant frequency in large population cohorts (gnomAD); In silico analysis supports that this missense variant has a deleterious effect on protein structure/function; Has not been previously published as pathogenic or benign to our knowledge; This variant is associated with the following publications: (PMID: 26503042, 26138142, 25168514)

NM_002047.4(GARS1):c.1095C>G (p.Phe365Leu)

Gene: GARS1 (glycyl-tRNA synthetase 1; plus strand). Cytogenetic location: 7p14.3.
Variant type: single nucleotide variant.
Coding change: c.1095C>G on transcript NM_002047.4 (MANE Select); coding-DNA position 1095, C replaced by G.
Protein change: p.Phe365Leu; replaces phenylalanine 365 with leucine.
Molecular consequence: missense variant.
Genome position (GRCh38, 1-based): chr7:30,615,959, C>G. VCF-style: chr7-30615959-C-G. GRCh37 (hg19) VCF-style: chr7-30655575-C-G.
Other names: c.933C>G, p.Phe311Leu (NM_001316772.1); short protein forms F311L, F365L.
Identifiers: ClinVar variation 2504217 (VCV002504217.1), dbSNP rs77663409, ClinGen allele CA367126113.
Genomic context (GRCh38, chr7:30,615,959, plus strand): 5'-ATTCACAATGGCAGAAATTGAGCACTTTGTAGATCCCAGTGAGAAAGACCACCCCAAGTT[C>G]CAGAATGTGGCAGACCTTCACCTTTATTTGTATTCAGCAAAAGCCCAGGTCAGCGGACAG-3'
Protein context (NP_002038.2, residues 355-375): VDPSEKDHPK[Phe365Leu]QNVADLHLYL